The following is an entry in ClinVar:

ClinVar aggregate classification (germline): Likely benign. Review status: criteria provided, single submitter (1 of 4 stars). 2 submissions from 2 submitters: Likely benign (1). 1 of the submissions does not count toward it. Last evaluated 2024-11-27.

Conditions:
DHX34-related disorder. Also called: DHX34-related condition.

Allele frequency attached by ClinVar (database versions not stated): gnomAD 0.00206; TOPMed 0.00223; ESP Exome Variant Server 0.00231; gnomAD exomes 0.00278; 1000 Genomes Project 0.00280; 1000 Genomes Project 30x 0.00281; ExAC 0.00290.
gnomAD v4.1: 4,376 of 1,614,228 alleles (0.27%); highest among the groups gnomAD compares: South Asian, 0.74%; 10 homozygotes.

Submissions (2):

Blueprint Genetics
Classification: Likely benign. Last evaluated: 2024-11-27. Review status: criteria provided, single submitter. Criteria: ACMG Guidelines, 2015. Collection method: clinical testing. Allele origin: germline.

PreventionGenetics, part of Exact Sciences
Classification: Benign for DHX34-related condition. Last evaluated: 2019-11-26. Review status: no assertion criteria provided. Collection method: clinical testing. Allele origin: germline. Not counted in ClinVar's aggregate classification.
Comment: This variant is classified as benign based on ACMG/AMP sequence variant interpretation guidelines (Richards et al. 2015 PMID: 25741868, with internal and published modifications).

NM_014681.6(DHX34):c.864C>T (p.Asn288=)

Gene: DHX34 (DExH-box helicase 34; plus strand). Cytogenetic location: 19q13.32.
Variant type: single nucleotide variant.
Coding change: c.864C>T on transcript NM_014681.6 (MANE Select); coding-DNA position 864, C replaced by T.
Protein change: p.Asn288=; no amino-acid change (asparagine 288 retained).
Molecular consequence: synonymous variant.
Genome position (GRCh38, 1-based): chr19:47,355,197, C>T. VCF-style: chr19-47355197-C-T. GRCh37 (hg19) VCF-style: chr19-47858454-C-T.
Identifiers: ClinVar variation 3050604 (VCV003050604.3), dbSNP rs113972066, ClinGen allele CA9537864.